The following is an entry in ClinVar:

NM_000094.4(COL7A1):c.8729G>A (p.Gly2910Asp)

Gene: COL7A1 (collagen type VII alpha 1 chain; minus strand). Cytogenetic location: 3p21.31.
Variant type: single nucleotide variant.
Coding change: c.8729G>A on transcript NM_000094.4 (MANE Select); coding-DNA position 8729, G replaced by A.
Protein change: p.Gly2910Asp; replaces glycine 2910 with aspartic acid.
Molecular consequence: missense variant.
Genome position (GRCh38, 1-based): chr3:48,564,872, C>T on the plus strand (G>A on the coding strand, the complement: COL7A1 is on the minus strand). VCF-style: chr3-48564872-C-T. GRCh37 (hg19) VCF-style: chr3-48602305-C-T.
Other names: short protein forms G2910D.
Identifiers: ClinVar variation 4065154 (VCV004065154.2).

ClinVar aggregate classification (germline): Likely pathogenic (1 of 4 stars; one submission).

Conditions:
Epidermolysis bullosa dystrophica. Also called: Dystrophic epidermolysis bullosa, Hallopeau-Siemens type (formerly); Dystrophic epidermolysis bullosa. Identifiers: Orphanet 303, MedGen C0079294, MONDO:0006543.

Submission:

Natera, Inc.
Classification: Likely pathogenic for Dystrophic epidermolysis bullosa. Last evaluated: 2025-05-08. Review status: criteria provided, single submitter. Criteria: Natera Variant Classification Schema (03/2026). Collection method: clinical testing. Allele origin: germline.
Comment: The c.8729G>A variant in COL7A1 is a missense variant predicted to cause substitution of glycine to aspartic acid at amino acid 2910. This variant is rare in the general population with a frequency below the threshold expected for the associated phenotype(s). A different variant at the same position has been determined to be Pathogenic or Likely Pathogenic. Computational prediction algorithms indicate this variant is likely to affect gene or protein function. Given the available evidence, this variant is classified as Likely Pathogenic.